The following is an entry in ClinVar:

NM_001163809.2(WDR81):c.1392C>T (p.Cys464=)

Gene: WDR81 (WD repeat domain 81; plus strand). Cytogenetic location: 17p13.3.
Variant type: single nucleotide variant.
Coding change: c.1392C>T on transcript NM_001163809.2 (MANE Select); coding-DNA position 1392, C replaced by T.
Protein change: p.Cys464=; no amino-acid change (cysteine 464 retained).
Molecular consequence: synonymous variant. On other transcripts: intron variant (3).
Genome position (GRCh38, 1-based): chr17:1,726,351, C>T. VCF-style: chr17-1726351-C-T. GRCh37 (hg19) VCF-style: chr17-1629645-C-T.
Other names: c.-123-1639C>T (NM_152348.4); c.59-4029C>T (NM_001163673.2); c.-15+1565C>T (NM_001163811.2).
Identifiers: ClinVar variation 708198 (VCV000708198.5), dbSNP rs765117138, ClinGen allele CA8273044.

ClinVar aggregate classification (germline): Likely benign. Review status: criteria provided, multiple submitters, no conflicts (2 of 4 stars). 2 submissions from 2 submitters: Likely benign (2). Last evaluated 2026-04-01.

Allele frequency attached by ClinVar (database versions not stated): gnomAD 0.00004 and 0.00005; gnomAD exomes 0.00004 and 0.00012; TOPMed 0.00007; ExAC 0.00023.
gnomAD v4.1: 77 of 1,547,006 alleles (0.005%); highest among the groups gnomAD compares: Admixed American, 0.012%; no homozygotes.

Submissions (2):

CeGaT Center for Human Genetics Tuebingen
Classification: Likely benign. Last evaluated: 2026-04-01. Review status: criteria provided, single submitter. Criteria: CeGaT Center For Human Genetics Tuebingen Variant Classification Criteria Version 2. Collection method: clinical testing. Allele origin: germline. Affected: yes. Observed: 1 variant allele.
Comment: WDR81: BP4, BP7

Labcorp Genetics (formerly Invitae), Labcorp
Classification: Likely benign. Last evaluated: 2017-12-27. Review status: criteria provided, single submitter. Criteria: Invitae Variant Classification Sherloc (09022015). Collection method: clinical testing. Allele origin: germline.